The following is an entry in ClinVar:

ClinVar aggregate classification (germline): Pathogenic (1 of 4 stars; one submission).

Submissions (2):

GeneDx
Classification: Pathogenic. Last evaluated: 2024-09-18. Review status: criteria provided, single submitter. Criteria: GeneDx Variant Classification Process June 2021. Collection method: clinical testing. Allele origin: germline. Affected: yes.
Comment: Canonical splice site variant predicted to result in an in-frame loss of the adjacent exon in a gene for which loss of function is a known mechanism of disease; Not observed at significant frequency in large population cohorts (gnomAD); Has not been previously published as pathogenic or benign to our knowledge

Dr. Peter K. Rogan Lab, Western University
No classification provided (evidence only). Condition: Squamous cell lung carcinoma. Review status: no classification provided. Collection method: in vitro. Allele origin: not applicable. Functional consequence: skipped exon, retained intron. Not counted in ClinVar's aggregate classification.

NM_057175.5(NAA15):c.2057-1G>A

Gene: NAA15 (N-alpha-acetyltransferase 15, NatA auxiliary subunit; plus strand). Cytogenetic location: 4q31.1.
Variant type: single nucleotide variant.
Coding change: c.2057-1G>A on transcript NM_057175.5 (MANE Select); the canonical splice acceptor site of the intron before coding-DNA position 2057, G replaced by A.
Molecular consequence: splice acceptor variant.
Genome position (GRCh38, 1-based): chr4:139,378,755, G>A. VCF-style: chr4-139378755-G-A. GRCh37 (hg19) VCF-style: chr4-140299909-G-A.
Other names: NC_000004.11:g.140299909G>A; c.2057-1G>A (NM_001410842.1).
Identifiers: ClinVar variation 3773985 (VCV003773985.2).